The following is an entry in ClinVar:

ClinVar aggregate classification (germline): Likely benign. Review status: criteria provided, multiple submitters, no conflicts (2 of 4 stars). 3 submissions from 3 submitters: Likely benign (2). 1 of the submissions does not count toward it. Last evaluated 2026-09-01.

Conditions:
Generalized epilepsy-paroxysmal dyskinesia syndrome (PNKD3). Also called: Generalized epilepsy and paroxysmal dyskinesia; Paroxysmal nonkinesigenic dyskinesia, 3, with or without generalized epilepsy. Identifiers: Orphanet 79137, MedGen C5574945, MONDO:0012276, OMIM 609446.
KCNMA1-related disorder. Also called: KCNMA1-related condition; KCNMA1-related disorders.

Allele frequency attached by ClinVar (database versions not stated): ExAC 0.00004; gnomAD 0.00006 and 0.00007; gnomAD exomes 0.00006; TOPMed 0.00007; ESP Exome Variant Server 0.00008.
gnomAD v4.1: 55 of 1,613,876 alleles (0.0034%); highest among the groups gnomAD compares: Admixed American, 0.022%; no homozygotes.

Submissions (3):

CeGaT Center for Human Genetics Tuebingen
Classification: Likely benign. Last evaluated: 2026-09-01. Review status: criteria provided, single submitter. Criteria: CeGaT Center For Human Genetics Tuebingen Variant Classification Criteria Version 2. Collection method: clinical testing. Allele origin: germline. Affected: yes. Observed: 1 variant allele.
Comment: KCNMA1: BP4, BP7

Labcorp Genetics (formerly Invitae), Labcorp
Classification: Likely benign for Generalized epilepsy-paroxysmal dyskinesia syndrome. Last evaluated: 2025-11-07. Review status: criteria provided, single submitter. Criteria: Invitae Variant Classification Sherloc (09022015). Collection method: clinical testing. Allele origin: germline.

PreventionGenetics, part of Exact Sciences
Classification: Likely benign for KCNMA1-related condition. Last evaluated: 2024-06-08. Review status: no assertion criteria provided. Collection method: clinical testing. Allele origin: germline. Not counted in ClinVar's aggregate classification.
Comment: This variant is classified as likely benign based on ACMG/AMP sequence variant interpretation guidelines (Richards et al. 2015 PMID: 25741868, with internal and published modifications).

NM_001161352.2(KCNMA1):c.2508C>T (p.Thr836=)

Genes: KCNMA1 (potassium calcium-activated channel subfamily M alpha 1; minus strand), KCNMA1-AS1 (KCNMA1 antisense RNA 1; plus strand). Cytogenetic location: 10q22.3.
Variant type: single nucleotide variant.
Coding change: c.2508C>T on transcript NM_001161352.2 (MANE Select); coding-DNA position 2508, C replaced by T.
Protein change: p.Thr836=; no amino-acid change (threonine 836 retained).
Molecular consequence: synonymous variant.
Genome position (GRCh38, 1-based): chr10:76,949,343, G>A on the plus strand (C>T on the coding strand, the complement: KCNMA1 is on the minus strand). VCF-style: chr10-76949343-G-A. GRCh37 (hg19) VCF-style: chr10-78709101-G-A.
Other names: c.2346C>T, p.Thr782= (NM_001014797.3, NM_001322835.2, NM_001322837.2); c.2457C>T, p.Thr819= (NM_001161353.2); c.2184C>T, p.Thr728= (NM_001271518.2); c.2343C>T, p.Thr781= (NM_001271519.2, NM_001322829.2, NM_001322836.2); c.2355C>T, p.Thr785= (NM_001322830.2); c.2334C>T, p.Thr778= (NM_001322832.2, NM_002247.4); c.1881C>T, p.Thr627= (NM_001322838.2); c.2334C>T (NM_002247.3).
Identifiers: ClinVar variation 1108570 (VCV001108570.11), dbSNP rs145100005, ClinGen allele CA5568047.